The following is an entry in ClinVar:

NM_001134831.2(AHI1):c.2672G>A (p.Arg891Gln)

Gene: AHI1 (Abelson helper integration site 1; minus strand). Cytogenetic location: 6q23.3.
Variant type: single nucleotide variant.
Coding change: c.2672G>A on transcript NM_001134831.2 (MANE Select); coding-DNA position 2672, G replaced by A.
Protein change: p.Arg891Gln; replaces arginine 891 with glutamine.
Molecular consequence: missense variant.
Genome position (GRCh38, 1-based): chr6:135,427,259, C>T on the plus strand (G>A on the coding strand, the complement: AHI1 is on the minus strand). VCF-style: chr6-135427259-C-T. GRCh37 (hg19) VCF-style: chr6-135748397-C-T.
Other names: c.2672G>A (NM_017651.4); c.2672G>A, p.Arg891Gln (NM_001134830.2, NM_001134832.2, NM_001350503.2 and 2 more transcripts); short protein forms R891Q.
Identifiers: ClinVar variation 1425727 (VCV001425727.27), dbSNP rs200816459, ClinGen allele CA4012302.

ClinVar aggregate classification (germline): Uncertain significance. Review status: criteria provided, multiple submitters, no conflicts (2 of 4 stars). 4 submissions from 4 submitters: Uncertain significance (4). Last evaluated 2024-01-01.

Conditions:
Joubert syndrome. Also called: Familial aplasia of the vermis; JOUBERT-BOLTSHAUSER SYNDROME. Identifiers: Orphanet 475, MedGen C5979921, MONDO:0018772.

Allele frequency attached by ClinVar (database versions not stated): gnomAD 0.00004 and 0.00005; TOPMed 0.00004; gnomAD exomes 0.00005 and 0.00006; ExAC 0.00007; ESP Exome Variant Server 0.00008.
gnomAD v4.1: 77 of 1,610,148 alleles (0.0048%); highest among the groups gnomAD compares: Middle Eastern, 0.066%; no homozygotes.

Submissions (4):

CeGaT Center for Human Genetics Tuebingen
Classification: Uncertain significance. Last evaluated: 2024-01-01. Review status: criteria provided, single submitter. Criteria: CeGaT Center For Human Genetics Tuebingen Variant Classification Criteria Version 2. Collection method: clinical testing. Allele origin: germline. Affected: yes. Observed: 1 variant allele.
Comment: AHI1: PM2, BP4

GeneDx
Classification: Uncertain significance. Last evaluated: 2023-05-08. Review status: criteria provided, single submitter. Criteria: GeneDx Variant Classification Process June 2021. Collection method: clinical testing. Allele origin: germline. Affected: yes.
Comment: Observed as a heterozygous variant in a patient with a preliminary diagnosis of Joubert syndrome in published literature; a second AHI1 variant was not found in this patient and further clinical details were not provided (Isik et al., 2019); In silico analysis supports that this missense variant does not alter protein structure/function; Not observed at significant frequency in large population cohorts (gnomAD); This variant is associated with the following publications: (PMID: 15467982, 31319225)

Labcorp Genetics (formerly Invitae), Labcorp
Classification: Uncertain significance for Joubert syndrome. Last evaluated: 2022-09-26. Review status: criteria provided, single submitter. Criteria: Invitae Variant Classification Sherloc (09022015). Collection method: clinical testing. Allele origin: germline.
Comment: This sequence change replaces arginine, which is basic and polar, with glutamine, which is neutral and polar, at codon 891 of the AHI1 protein (p.Arg891Gln). This variant is present in population databases (rs200816459, gnomAD 0.01%). This missense change has been observed in individual(s) with Joubert syndrome (PMID: 31319225). ClinVar contains an entry for this variant (Variation ID: 1425727). Advanced modeling of protein sequence and biophysical properties (such as structural, functional, and spatial information, amino acid conservation, physicochemical variation, residue mobility, and thermodynamic stability) has been performed at Invitae for this missense variant, however the output from this modeling did not meet the statistical confidence thresholds required to predict the impact of this variant on AHI1 protein function. In summary, the available evidence is currently insufficient to determine the role of this variant in disease. Therefore, it has been classified as a Variant of Uncertain Significance.

Blueprint Genetics
Classification: Uncertain significance. Last evaluated: 2022-06-20. Review status: criteria provided, single submitter. Criteria: ACMG Guidelines, 2015. Collection method: clinical testing. Allele origin: germline.

Literature cited by the submitters: PubMed 31319225 (cited by Labcorp Genetics (formerly Invitae), Labcorp).